The following is an entry in ClinVar:

NM_003560.4(PLA2G6):c.990C>T (p.Phe330=)

Gene: PLA2G6 (phospholipase A2 group VI; minus strand). Cytogenetic location: 22q13.1.
Variant type: single nucleotide variant.
Coding change: c.990C>T on transcript NM_003560.4 (MANE Select); coding-DNA position 990, C replaced by T.
Protein change: p.Phe330=; no amino-acid change (phenylalanine 330 retained).
Molecular consequence: synonymous variant.
Genome position (GRCh38, 1-based): chr22:38,132,918, G>A on the plus strand (C>T on the coding strand, the complement: PLA2G6 is on the minus strand). VCF-style: chr22-38132918-G-A. GRCh37 (hg19) VCF-style: chr22-38528925-G-A.
Other names: p.Phe330=; c.990C>T, p.Phe330= (NM_001004426.3, NM_001199562.3, NM_001349864.2 and 2 more transcripts); c.456C>T, p.Phe152= (NM_001349867.2, NM_001349869.2); c.312C>T, p.Phe104= (NM_001349868.2).
Identifiers: ClinVar variation 341643 (VCV000341643.52), dbSNP rs146241431, ClinGen allele CA10231077.
Genomic context (GRCh38, chr22:38,132,918, plus strand): 5'-GCCGTGCTCTCCGCGGGCATCCGCGTTGGCCCCGTGGGTCAGCAGCACTATGGCACAGTC[G>A]AAGCGGTTGCGCATCACCGCCACGTGCAGGGCCGTGTTCCCCGCGGAGCTGGTGCTGTTC-3'
Protein context (NP_003551.2, residues 320-340): ALHVAVMRNR[Phe330=]DCAIVLLTHG

ClinVar aggregate classification (germline): Benign/Likely benign. Review status: criteria provided, multiple submitters, no conflicts (2 of 4 stars). 8 submissions from 8 submitters: Benign (2); Likely benign (4). 2 of the submissions do not count toward it. Last evaluated 2026-08-01.

Conditions:
PLA2G6-associated neurodegeneration (PLAN). Also called: phospholipase A2-associated neurodegeneration. Identifiers: Orphanet 329303, MedGen CN204472, MONDO:0017998.
Infantile neuroaxonal dystrophy (NBIA2A). Also called: Infantile neuroaxonal dystrophy 1; SEITELBERGER DISEASE; NEURODEGENERATION WITH BRAIN IRON ACCUMULATION 2A. Identifiers: Orphanet 35069, MedGen C0270724, MONDO:0024457, OMIM 256600.

Allele frequency attached by ClinVar (database versions not stated): 1000 Genomes Project 30x 0.00016; 1000 Genomes Project 0.00020; TOPMed 0.00125; gnomAD exomes 0.00144 and 0.00218; gnomAD 0.00155 and 0.00167; ESP Exome Variant Server 0.00163; ExAC 0.00226.
gnomAD v4.1: 3,247 of 1,557,576 alleles (0.21%); highest among the groups gnomAD compares: Non-Finnish European, 0.26%; 9 homozygotes.

Submissions (8):

CeGaT Center for Human Genetics Tuebingen
Classification: Likely benign. Last evaluated: 2026-08-01. Review status: criteria provided, single submitter. Criteria: CeGaT Center For Human Genetics Tuebingen Variant Classification Criteria Version 2. Collection method: clinical testing. Allele origin: germline. Affected: yes. Observed: 22 variant alleles.
Comment: PLA2G6: BP4, BP7

Labcorp Genetics (formerly Invitae), Labcorp
Classification: Benign for Infantile neuroaxonal dystrophy. Last evaluated: 2026-02-02. Review status: criteria provided, single submitter. Criteria: Invitae Variant Classification Sherloc (09022015). Collection method: clinical testing. Allele origin: germline.

Mayo Clinic Laboratories, Mayo Clinic
Classification: Benign. Last evaluated: 2024-12-10. Review status: criteria provided, single submitter. Criteria: ACMG Guidelines, 2015. Collection method: clinical testing. Allele origin: germline. Observed: 9 variant alleles.
Comment: BS1, BS2, BP4, BP7

Blueprint Genetics
Classification: Likely benign. Last evaluated: 2024-11-06. Review status: criteria provided, single submitter. Criteria: ACMG Guidelines, 2015. Collection method: clinical testing. Allele origin: germline.

GeneDx
Classification: Likely benign. Last evaluated: 2020-10-29. Review status: criteria provided, single submitter. Criteria: GeneDx Variant Classification Process June 2021. Collection method: clinical testing. Allele origin: germline. Affected: yes.

Illumina Laboratory Services, Illumina
Classification: Likely benign for PLA2G6-associated neurodegeneration. Last evaluated: 2018-01-12. Review status: criteria provided, single submitter. Criteria: ICSL Variant Classification Criteria 13 December 2019. Collection method: clinical testing. Allele origin: germline.
Comment: This variant was observed in the ICSL laboratory as part of a predisposition screen in an ostensibly healthy population. It had not been previously curated by ICSL or reported in the Human Gene Mutation Database (HGMD: prior to June 1st, 2018), and was therefore a candidate for classification through an automated scoring system. Utilizing variant allele frequency, disease prevalence and penetrance estimates, and inheritance mode, an automated score was calculated to assess if this variant is too frequent to cause the disease. Based on the score and internal cut-off values, a variant classified as likely benign is not then subjected to further curation. The score for this variant resulted in a classification of likely benign for this disease.

Clinical Genetics DNA and cytogenetics Diagnostics Lab, Erasmus MC, Erasmus Medical Center
Classification: Likely benign. Review status: no assertion criteria provided. Collection method: clinical testing. Allele origin: germline. Affected: yes. Study: VKGL Data-share Consensus. Not counted in ClinVar's aggregate classification.

Clinical Genetics, Academic Medical Center
Classification: Likely benign. Review status: no assertion criteria provided. Collection method: clinical testing. Allele origin: germline. Affected: yes. Study: VKGL Data-share Consensus. Not counted in ClinVar's aggregate classification.